The following is an entry in ClinVar:

NM_001040142.2(SCN2A):c.4255-31A>G

Gene: SCN2A (sodium voltage-gated channel alpha subunit 2; plus strand). Cytogenetic location: 2q24.3.
Variant type: single nucleotide variant.
Coding change: c.4255-31A>G on transcript NM_001040142.2 (MANE Select); 31 bases into the intron before coding-DNA position 4255, A replaced by G.
Molecular consequence: intron variant.
Genome position (GRCh38, 1-based): chr2:165,377,566, A>G. VCF-style: chr2-165377566-A-G. GRCh37 (hg19) VCF-style: chr2-166234076-A-G.
Other names: c.4255-31A>G (NM_001040143.2, NM_001371246.1, NM_001371247.1 and 1 more transcripts).
Identifiers: ClinVar variation 670685 (VCV000670685.6), dbSNP rs1864885, ClinGen allele CA1940247.

ClinVar aggregate classification (germline): Benign. Review status: criteria provided, multiple submitters, no conflicts (2 of 4 stars). 6 submissions from 4 submitters: Benign (6). Last evaluated 2024-07-15.

Conditions:
Seizures, benign familial infantile, 3 (BFIS3). Also called: CONVULSIONS, BENIGN FAMILIAL INFANTILE, 3; Familial neonatal seizures. Identifiers: Orphanet 140927, Orphanet 306, MedGen C1843140, MONDO:0011904, OMIM 607745.
Developmental and epileptic encephalopathy, 11 (DEE11). Also called: Early infantile epileptic encephalopathy 11. Identifiers: Orphanet 1934, MedGen C3150987, MONDO:0013388, OMIM 613721.
Episodic ataxia, type 9. Identifiers: MedGen C5394520, MONDO:0030064, OMIM 618924.

Allele frequency attached by ClinVar (database versions not stated): ESP Exome Variant Server 0.10970; 1000 Genomes Project 30x 0.19909; TOPMed 0.20159; 1000 Genomes Project 0.20228; gnomAD 0.20300 and 0.20559; gnomAD exomes 0.24477 and 0.25592; ExAC 0.24931.
gnomAD v4.1: 378,717 of 1,575,984 alleles (24%); highest among the groups gnomAD compares: Admixed American, 35%; 48,535 homozygotes.

Submissions (6):

Unidad de Genómica Garrahan, Hospital de Pediatría Garrahan
Classification: Benign. Last evaluated: 2024-07-15. Review status: criteria provided, single submitter. Criteria: ACMG Guidelines, 2015. Collection method: clinical testing. Allele origin: germline. Affected: no. Observed: 41 variant alleles.
Comment: This variant is classified as Benign based on local population frequency. This variant was detected in 44% of patients studied in a panel designed for Epileptic and Developmental Encephalopathy and Progressive Myoclonus Epilepsy. Number of patients: 41. Only high quality variants are reported.

Genome-Nilou Lab
Classification: Benign for Developmental and epileptic encephalopathy, 11. Last evaluated: 2021-07-15. Review status: criteria provided, single submitter. Criteria: ACMG Guidelines, 2015. Collection method: clinical testing. Allele origin: germline. Affected: no.

Genome-Nilou Lab
Classification: Benign for Episodic ataxia, type 9. Last evaluated: 2021-07-15. Review status: criteria provided, single submitter. Criteria: ACMG Guidelines, 2015. Collection method: clinical testing. Allele origin: germline. Affected: no.

Genome-Nilou Lab
Classification: Benign for Seizures, benign familial infantile, 3. Last evaluated: 2021-07-15. Review status: criteria provided, single submitter. Criteria: ACMG Guidelines, 2015. Collection method: clinical testing. Allele origin: germline. Affected: no.

GeneDx
Classification: Benign. Last evaluated: 2018-06-14. Review status: criteria provided, single submitter. Criteria: GeneDx Variant Classification (06012015). Collection method: clinical testing. Allele origin: germline. Affected: yes.
Comment: This variant is considered likely benign or benign based on one or more of the following criteria: it is a conservative change, it occurs at a poorly conserved position in the protein, it is predicted to be benign by multiple in silico algorithms, and/or has population frequency not consistent with disease.

Breakthrough Genomics
Classification: Benign. Review status: criteria provided, single submitter. Criteria: ACMG Guidelines, 2015. Collection method: not provided. Allele origin: germline. Inheritance: Autosomal dominant inheritance. Affected: yes.